The following is an entry in ClinVar:

NM_014639.4(SKIC3):c.2855A>G (p.Tyr952Cys)

Gene: SKIC3 (SKI3 subunit of superkiller complex; minus strand). Cytogenetic location: 5q15.
Variant type: single nucleotide variant.
Coding change: c.2855A>G on transcript NM_014639.4 (MANE Select); coding-DNA position 2855, A replaced by G.
Protein change: p.Tyr952Cys; replaces tyrosine 952 with cysteine.
Molecular consequence: missense variant.
Genome position (GRCh38, 1-based): chr5:95,512,542, T>C on the plus strand (A>G on the coding strand, the complement: SKIC3 is on the minus strand). VCF-style: chr5-95512542-T-C. GRCh37 (hg19) VCF-style: chr5-94848246-T-C.
Other names: short protein forms Y952C.
Identifiers: ClinVar variation 1953760 (VCV001953760.3), dbSNP rs953393003, ClinGen allele CA122849017.
Genomic context (GRCh38, chr5:95,512,542, plus strand): 5'-TATTTATTCAAAATAACTTGTGCTGCTGGAATAGCATTCATCTGGAGGATGTTGTACTGG[T>C]ACAGCTCTGTTTCTCTGTTGCTTTTATCTTGCAATGTTGTGCAGACCCAATACGCATAAC-3'
Protein context (NP_055454.1, residues 942-962): QDKSNRETEL[Tyr952Cys]QYNILQMNAI

ClinVar aggregate classification (germline): Uncertain significance (1 of 4 stars; one submission).

Allele frequency attached by ClinVar (database versions not stated): gnomAD 0.00001; TOPMed 0.00001; gnomAD exomes below 0.00001.
gnomAD v4.1: 2 of 1,613,944 alleles (0.00012%); highest among the groups gnomAD compares: African/African-American, 0.0013%; no homozygotes.

Submission:

Labcorp Genetics (formerly Invitae), Labcorp
Classification: Uncertain significance. Last evaluated: 2025-05-14. Review status: criteria provided, single submitter. Criteria: Invitae Variant Classification Sherloc (09022015). Collection method: clinical testing. Allele origin: germline.
Comment: This sequence change replaces tyrosine, which is neutral and polar, with cysteine, which is neutral and slightly polar, at codon 952 of the TTC37 protein (p.Tyr952Cys). This variant is not present in population databases (gnomAD no frequency). This variant has not been reported in the literature in individuals affected with TTC37-related conditions. ClinVar contains an entry for this variant (Variation ID: 1953760). An algorithm developed to predict the effect of missense changes on protein structure and function (PolyPhen-2) suggests that this variant is likely to be disruptive. In summary, the available evidence is currently insufficient to determine the role of this variant in disease. Therefore, it has been classified as a Variant of Uncertain Significance.